The following is an entry in ClinVar:

NM_173842.3(IL1RN):c.*138C>G

Gene: IL1RN (interleukin 1 receptor antagonist; plus strand). Cytogenetic location: 2q14.1.
Variant type: single nucleotide variant.
Coding change: c.*138C>G on transcript NM_173842.3 (MANE Select); 138 bases downstream of the stop codon, C replaced by G.
Molecular consequence: 3 prime UTR variant.
Genome position (GRCh38, 1-based): chr2:113,133,009, C>G. VCF-style: chr2-113133009-C-G. GRCh37 (hg19) VCF-style: chr2-113890586-C-G.
Other names: c.*138C>G (NM_000577.5, NM_001318914.2, NM_001379360.1 and 2 more transcripts).
Identifiers: ClinVar variation 330832 (VCV000330832.10), dbSNP rs315951, ClinGen allele CA10610617.

ClinVar aggregate classification (germline): Benign. Review status: criteria provided, multiple submitters, no conflicts (2 of 4 stars). 4 submissions from 4 submitters: Benign (4). Last evaluated 2023-11-12.

Conditions:
Sterile multifocal osteomyelitis with periostitis and pustulosis. Also called: CHRONIC RECURRENT MULTIFOCAL OSTEOMYELITIS 2, WITH PERIOSTITIS AND PUSTULOSIS. Identifiers: Orphanet 210115, MedGen C2748507, MONDO:0013021, OMIM 612852.

Allele frequency attached by ClinVar (database versions not stated): gnomAD exomes 0.30404; TOPMed 0.33207; gnomAD 0.33798 and 0.34373; 1000 Genomes Project 30x 0.35384; 1000 Genomes Project 0.35503.
gnomAD v4.1: 244,383 of 787,330 alleles (31%); highest among the groups gnomAD compares: East Asian, 64%; 42,486 homozygotes.

Submissions (4):

Unidad de Genómica Garrahan, Hospital de Pediatría Garrahan
Classification: Benign. Last evaluated: 2023-11-12. Review status: criteria provided, single submitter. Criteria: ACMG Guidelines, 2015. Collection method: clinical testing. Allele origin: germline. Affected: no. Observed: 40 variant alleles.
Comment: This variant is classified as Benign based on local population frequency. This variant was detected in 42% of patients studied by a panel of primary immunodeficiencies. Number of patients: 40. Only high quality variants are reported.

GeneDx
Classification: Benign. Last evaluated: 2018-11-12. Review status: criteria provided, single submitter. Criteria: GeneDx Variant Classification Process June 2021. Collection method: clinical testing. Allele origin: germline. Affected: yes.

Illumina Laboratory Services, Illumina
Classification: Benign for Sterile multifocal osteomyelitis with periostitis and pustulosis. Last evaluated: 2018-01-13. Review status: criteria provided, single submitter. Criteria: ICSL Variant Classification Criteria 13 December 2019. Collection method: clinical testing. Allele origin: germline.
Comment: This variant was observed in the ICSL laboratory as part of a predisposition screen in an ostensibly healthy population. It had not been previously curated by ICSL or reported in the Human Gene Mutation Database (HGMD: prior to June 1st, 2018), and was therefore a candidate for classification through an automated scoring system. Utilizing variant allele frequency, disease prevalence and penetrance estimates, and inheritance mode, an automated score was calculated to assess if this variant is too frequent to cause the disease. Based on the score and internal cut-off values, a variant classified as benign is not then subjected to further curation. The score for this variant resulted in a classification of benign for this disease.

Breakthrough Genomics
Classification: Benign. Review status: criteria provided, single submitter. Criteria: ACMG Guidelines, 2015. Collection method: not provided. Allele origin: germline. Inheritance: Autosomal recessive inheritance. Affected: yes.